The following is an entry in ClinVar:

ClinVar aggregate classification (germline): Likely pathogenic (1 of 4 stars; one submission).

Conditions:
Bifunctional peroxisomal enzyme deficiency (DBIF). Also called: DBP DEFICIENCY; D-bifunctional protein deficiency; PBFE DEFICIENCY. Identifiers: Orphanet 300, MedGen C0342870, MONDO:0009855, OMIM 261515. Disease mechanism: loss of function.

Submission:

Greenwood Genetic Center Diagnostic Laboratories, Greenwood Genetic Center
Classification: Likely pathogenic for Bifunctional peroxisomal enzyme deficiency. Last evaluated: 2022-03-14. Review status: criteria provided, single submitter. Criteria: ACMG Guidelines, 2015. Collection method: clinical testing. Allele origin: germline. Affected: yes.
Comment: PVS1, PM2

NM_000414.4(HSD17B4):c.1121del (p.Leu374fs)

Gene: HSD17B4 (hydroxysteroid 17-beta dehydrogenase 4; plus strand). Cytogenetic location: 5q23.1.
Variant type: Deletion.
Coding change: c.1121del on transcript NM_000414.4 (MANE Select); coding-DNA position 1121, one base deleted (T; older notation c.1121delT).
Protein change: p.Leu374fs; shifts the reading frame from leucine 374.
Molecular consequence: frameshift variant. On other transcripts: non-coding transcript variant (2).
Genome position (GRCh38, 1-based): chr5:119,499,465, T deleted; the last of 3 consecutive T bases (chr5:119,499,463-119,499,465); deleting any one gives the same sequence. VCF-style (leftmost placement, unchanged base first): chr5-119499462-GT-G. GRCh37 (hg19) VCF-style: chr5-118835157-GT-G.
Other names: c.1196del, p.Leu399fs (NM_001199291.3); c.1067del, p.Leu356fs (NM_001199292.2); c.1049del, p.Leu350fs (NM_001292027.2); c.701del, p.Leu234fs (NM_001292028.2); c.1112del, p.Leu371fs (NM_001374497.1); c.1121del, p.Leu374fs (NM_001374498.1); c.794del, p.Leu265fs (NM_001374499.1); c.680del, p.Leu227fs (NM_001374500.1); and 1 more; short protein forms L227fs, L234fs, L237fs, L265fs, L350fs, L356fs, L371fs, L374fs.
Identifiers: ClinVar variation 1676484 (VCV001676484.3), dbSNP rs2126781231, ClinGen allele CA2573138663.